The following is an entry in ClinVar:

ClinVar aggregate classification (germline): Uncertain significance (1 of 4 stars; one submission).

gnomAD v4.1: 2 of 1,613,822 alleles (0.00012%); highest among the groups gnomAD compares: South Asian, 0.0022%; no homozygotes.

Submission:

GeneDx
Classification: Uncertain significance. Last evaluated: 2024-09-03. Review status: criteria provided, single submitter. Criteria: GeneDx Variant Classification Process June 2021. Collection method: clinical testing. Allele origin: germline. Affected: yes.
Comment: Not observed at significant frequency in large population cohorts (gnomAD); In silico analysis indicates that this missense variant does not alter protein structure/function; Has not been previously published as pathogenic or benign to our knowledge

NM_005529.7(HSPG2):c.2077C>G (p.Leu693Val)

Gene: HSPG2 (heparan sulfate proteoglycan 2; minus strand). Cytogenetic location: 1p36.12.
Variant type: single nucleotide variant.
Coding change: c.2077C>G on transcript NM_005529.7 (MANE Select); coding-DNA position 2077, C replaced by G.
Protein change: p.Leu693Val; replaces leucine 693 with valine.
Molecular consequence: missense variant.
Genome position (GRCh38, 1-based): chr1:21,880,481, G>C on the plus strand (C>G on the coding strand, the complement: HSPG2 is on the minus strand). VCF-style: chr1-21880481-G-C. GRCh37 (hg19) VCF-style: chr1-22206974-G-C.
Other names: c.2080C>G, p.Leu694Val (NM_001291860.2); short protein forms L693V, L694V.
Identifiers: ClinVar variation 3767755 (VCV003767755.1).
Genomic context (GRCh38, chr1:21,880,481, plus strand): 5'-CCATGGCGATGTCGCTAAGTCCCACGCTGGCCATCTTGGTGTTGTACACGGTCTGGATGA[G>C]CACGGCCTCCAGGCTCTGCAGCACCTGCAGCAGCTCCGCGCGCTGCACCGGCCGGCCAGA-3'
Protein context (NP_005520.4, residues 683-703): LQVLQSLEAV[Leu693Val]IQTVYNTKMA